The following is an entry in ClinVar:

ClinVar aggregate classification (germline): Uncertain significance (1 of 4 stars; one submission).

Conditions:
Walker-Warburg congenital muscular dystrophy. Also called: Muscular dystrophy-dystroglycanopathy, type A; Walker-Warburg syndrome. Identifiers: Orphanet 899, MedGen C0265221, MONDO:0000171.

Submission:

Labcorp Genetics (formerly Invitae), Labcorp
Classification: Uncertain significance for Walker-Warburg congenital muscular dystrophy. Last evaluated: 2021-02-24. Review status: criteria provided, single submitter. Criteria: Invitae Variant Classification Sherloc (09022015). Collection method: clinical testing. Allele origin: germline.
Comment: This variant, c.1048_1065del, results in the deletion of 6 amino acid(s) of the FKTN protein (p.Glu350_Leu355del), but otherwise preserves the integrity of the reading frame. This variant is not present in population databases (ExAC no frequency). This variant has not been reported in the literature in individuals with FKTN-related conditions. Experimental studies and prediction algorithms are not available or were not evaluated, and the functional significance of this variant is currently unknown. In summary, the available evidence is currently insufficient to determine the role of this variant in disease. Therefore, it has been classified as a Variant of Uncertain Significance.

NM_001079802.2(FKTN):c.1048_1065del (p.Glu350_Leu355del)

Gene: FKTN (fukutin; plus strand). Cytogenetic location: 9q31.2.
Variant type: Deletion.
Coding change: c.1048_1065del on transcript NM_001079802.2 (MANE Select); coding-DNA positions 1048 to 1065, 18 bases deleted (GAAGACAGCTTGGAACTA).
Protein change: p.Glu350_Leu355del.
Molecular consequence: inframe deletion. On other transcripts: non-coding transcript variant (2).
Genome position (GRCh38, 1-based): chr9:105,619,937-105,619,954, GAAGACAGCTTGGAACTA deleted; deleting any 18 consecutive bases within chr9:105,619,935-105,619,954 gives the same sequence; the c. name uses the placement nearest the transcript's 3' end. VCF-style (leftmost placement, unchanged base first): chr9-105619934-GTAGAAGACAGCTTGGAAC-G. GRCh37 (hg19) VCF-style: chr9-108382215-GTAGAAGACAGCTTGGAAC-G.
Other names: c.1048_1065del, p.Glu350_Leu355del (NM_001198963.2, NM_001351496.2, NM_001351498.2 and 1 more transcripts); c.979_996del, p.Glu327_Leu332del (NM_001351497.2); c.652_669del, p.Glu218_Leu223del (NM_001351499.2, NM_001351500.2, NM_001351501.2 and 1 more transcripts).
Identifiers: ClinVar variation 1514955 (VCV001514955.8), dbSNP rs2133209581, ClinGen allele CA2573143722.